The following is an entry in ClinVar:

NM_001347721.2(DYRK1A):c.556G>A (p.Ala186Thr)

Gene: DYRK1A (dual specificity tyrosine phosphorylation regulated kinase 1A; plus strand). Cytogenetic location: 21q22.13.
Variant type: single nucleotide variant.
Coding change: c.556G>A on transcript NM_001347721.2 (MANE Select); coding-DNA position 556, G replaced by A.
Protein change: p.Ala186Thr; replaces alanine 186 with threonine.
Molecular consequence: missense variant.
Genome position (GRCh38, 1-based): chr21:37,486,533, G>A. VCF-style: chr21-37486533-G-A. GRCh37 (hg19) VCF-style: chr21-38858835-G-A.
Other names: c.556G>A, p.Ala186Thr (NM_001347722.2, NM_130436.2); c.469G>A, p.Ala157Thr (NM_001347723.2); c.583G>A, p.Ala195Thr (NM_001396.5, NM_101395.2, NM_130438.2); short protein forms A157T, A186T, A195T.
Identifiers: ClinVar variation 1438267 (VCV001438267.6), dbSNP rs2148600841, ClinGen allele CA409945796.

ClinVar aggregate classification (germline): Uncertain significance (1 of 4 stars; one submission).

Conditions:
DYRK1A-related intellectual disability syndrome (MRD7). Also called: Intellectual developmental disorder, autosomal dominant 7; DYRK1A Syndrome. Identifiers: Orphanet 464306, MedGen C5568143, MONDO:0013578, OMIM 614104.

Submission:

Labcorp Genetics (formerly Invitae), Labcorp
Classification: Uncertain significance for DYRK1A-related intellectual disability syndrome. Last evaluated: 2025-06-09. Review status: criteria provided, single submitter. Criteria: Invitae Variant Classification Sherloc (09022015). Collection method: clinical testing. Allele origin: germline.
Comment: This sequence change replaces alanine, which is neutral and non-polar, with threonine, which is neutral and polar, at codon 195 of the DYRK1A protein (p.Ala195Thr). This variant is not present in population databases (gnomAD no frequency). This missense change has been observed in individual(s) with DYRK1A-related conditions (PMID: 28167836). ClinVar contains an entry for this variant (Variation ID: 1438267). Invitae Evidence Modeling of protein sequence and biophysical properties (such as structural, functional, and spatial information, amino acid conservation, physicochemical variation, residue mobility, and thermodynamic stability) indicates that this missense variant is not expected to disrupt DYRK1A protein function with a negative predictive value of 80%. Experimental studies are conflicting or provide insufficient evidence to determine the effect of this variant on DYRK1A function (PMID: 28167836). In summary, the available evidence is currently insufficient to determine the role of this variant in disease. Therefore, it has been classified as a Variant of Uncertain Significance.

Literature cited by the submitters: PubMed 28167836.